The following is an entry in ClinVar:

ClinVar aggregate classification (germline): Likely benign. Review status: criteria provided, multiple submitters, no conflicts (2 of 4 stars). 2 submissions from 2 submitters: Likely benign (2). Last evaluated 2022-11-01.

Conditions:
Salla disease (SD). Also called: Less Severe FSASD (Salla Disease); Sialuria, Finnish type; N-acetylneuraminic acid (NANA) storage disease (NSD); Infantile sialic acid storage disorder (ISSD). Identifiers: Orphanet 309334, Orphanet 834, MedGen C1096903, MONDO:0011449, OMIM 604369.

gnomAD v4.1: 1 of 1,614,040 alleles (0.000062%); highest among the groups gnomAD compares: Non-Finnish European, 0.000085%; no homozygotes.

Submissions (2):

CeGaT Center for Human Genetics Tuebingen
Classification: Likely benign. Last evaluated: 2022-11-01. Review status: criteria provided, single submitter. Criteria: CeGaT Center For Human Genetics Tuebingen Variant Classification Criteria Version 2. Collection method: clinical testing. Allele origin: germline. Affected: yes. Observed: 1 variant allele.
Comment: SLC17A5: PM2:Supporting, BP4, BP7

Labcorp Genetics (formerly Invitae), Labcorp
Classification: Likely benign for Salla disease. Last evaluated: 2021-08-17. Review status: criteria provided, single submitter. Criteria: Invitae Variant Classification Sherloc (09022015). Collection method: clinical testing. Allele origin: germline.

NM_012434.5(SLC17A5):c.837A>G (p.Ser279=)

Gene: SLC17A5 (solute carrier family 17 member 5; minus strand). Cytogenetic location: 6q13.
Variant type: single nucleotide variant.
Coding change: c.837A>G on transcript NM_012434.5 (MANE Select); coding-DNA position 837, A replaced by G.
Protein change: p.Ser279=; no amino-acid change (serine 279 retained).
Molecular consequence: synonymous variant. On other transcripts: intron variant (1).
Genome position (GRCh38, 1-based): chr6:73,621,945, T>C on the plus strand (A>G on the coding strand, the complement: SLC17A5 is on the minus strand). VCF-style: chr6-73621945-T-C. GRCh37 (hg19) VCF-style: chr6-74331668-T-C.
Other names: c.606A>G, p.Ser202= (NM_001382629.1); c.837A>G, p.Ser279= (NM_001382630.1, NM_001382633.1); c.858A>G, p.Ser286= (NM_001382631.1); c.750A>G, p.Ser250= (NM_001382632.1); c.834A>G, p.Ser278= (NM_001382635.1); c.519A>G, p.Ser173= (NM_001382636.1); c.820-6498A>G (NM_001382634.1).
Identifiers: ClinVar variation 1654721 (VCV001654721.31), dbSNP rs2150099452, ClinGen allele CA450910940.
Genomic context (GRCh38, chr6:73,621,945, plus strand): 5'-AAAGTGTGCAACTACGATAGCCCAAAGTGGCAGGGATTTTAAAATGGGTACCCACGGCAC[T>C]GACTTCTGTGAAGAAAGCTGAAGAAAACAGGAATAATTAGGATAAACTACGGCTATGTTA-3'
Protein context (NP_036566.1, residues 269-289): SLRNQLSSQK[Ser279=]VPWVPILKSL